The following is an entry in ClinVar:

NM_000390.4(CHM):c.361A>C (p.Asn121His)

Genes: CHM (CHM Rab escort protein; minus strand), LOC129391306 (MPRA-validated peak7401 silencer; plus strand). Cytogenetic location: Xq21.2.
Variant type: single nucleotide variant.
Coding change: c.361A>C on transcript NM_000390.4 (MANE Select); coding-DNA position 361, A replaced by C.
Protein change: p.Asn121His; replaces asparagine 121 with histidine.
Molecular consequence: missense variant. On other transcripts: 5 prime UTR variant (4).
Genome position (GRCh38, 1-based): chrX:85,964,006, T>G on the plus strand (A>C on the coding strand, the complement: CHM is on the minus strand). VCF-style: chrX-85964006-T-G. GRCh37 (hg19) VCF-style: chrX-85219011-T-G.
Other names: c.-84A>C (NM_001320959.1, NM_001362517.1, NM_001362518.2 and 1 more transcripts); short protein forms N121H.
Identifiers: ClinVar variation 1481171 (VCV001481171.9), dbSNP rs2147676418, ClinGen allele CA413787352.

ClinVar aggregate classification (germline): Uncertain significance. Review status: criteria provided, multiple submitters, no conflicts (2 of 4 stars). 2 submissions from 2 submitters: Uncertain significance (2). Last evaluated 2024-08-13.

Submissions (2):

Labcorp Genetics (formerly Invitae), Labcorp
Classification: Uncertain significance. Last evaluated: 2024-08-13. Review status: criteria provided, single submitter. Criteria: Invitae Variant Classification Sherloc (09022015). Collection method: clinical testing. Allele origin: germline.
Comment: This sequence change replaces asparagine, which is neutral and polar, with histidine, which is basic and polar, at codon 121 of the CHM protein (p.Asn121His). This variant is not present in population databases (gnomAD no frequency). This variant has not been reported in the literature in individuals affected with CHM-related conditions. ClinVar contains an entry for this variant (Variation ID: 1481171). An algorithm developed to predict the effect of missense changes on protein structure and function (PolyPhen-2) suggests that this variant is likely to be disruptive. In summary, the available evidence is currently insufficient to determine the role of this variant in disease. Therefore, it has been classified as a Variant of Uncertain Significance.

Blueprint Genetics
Classification: Uncertain significance. Last evaluated: 2019-10-07. Review status: criteria provided, single submitter. Criteria: ACMG Guidelines, 2015. Collection method: clinical testing. Allele origin: germline.